The following is an entry in ClinVar:

ClinVar aggregate classification (germline): Uncertain significance. Review status: criteria provided, multiple submitters, no conflicts (2 of 4 stars). 2 submissions from 2 submitters: Uncertain significance (2). Last evaluated 2026-01-16.

Allele frequency attached by ClinVar (database versions not stated): gnomAD exomes below 0.00001.
gnomAD v4.1: 1 of 1,614,014 alleles (0.000062%); highest among the groups gnomAD compares: Admixed American, 0.0017%; no homozygotes.

Submissions (2):

Women's Health and Genetics/Laboratory Corporation of America, LabCorp
Classification: Uncertain significance. Last evaluated: 2026-01-16. Review status: criteria provided, single submitter. Criteria: LabCorp Variant Classification Summary - May 2015. Collection method: clinical testing. Allele origin: germline.
Comment: Variant summary: SETD5 c.4088A>G (p.Gln1363Arg) results in a conservative amino acid change in the encoded protein sequence. Algorithms developed to predict the effect of missense changes on protein structure and function are either unavailable or do not agree on the potential impact of this missense change. The variant allele was found at a frequency of 4e-06 in 249258 control chromosomes. The available data on variant occurrences in the general population are insufficient to allow any conclusion about variant significance. To our knowledge, no occurrence of c.4088A>G in individuals affected with SETD5-related conditions and no experimental evidence demonstrating its impact on protein function have been reported. ClinVar contains an entry for this variant (Variation ID: 2909698). Based on the evidence outlined above, the variant was classified as uncertain significance.

Labcorp Genetics (formerly Invitae), Labcorp
Classification: Uncertain significance. Last evaluated: 2025-03-13. Review status: criteria provided, single submitter. Criteria: Invitae Variant Classification Sherloc (09022015). Collection method: clinical testing. Allele origin: germline.
Comment: This sequence change replaces glutamine, which is neutral and polar, with arginine, which is basic and polar, at codon 1363 of the SETD5 protein (p.Gln1363Arg). This variant is present in population databases (no rsID available, gnomAD 0.003%). This variant has not been reported in the literature in individuals affected with SETD5-related conditions. ClinVar contains an entry for this variant (Variation ID: 2909698). Invitae Evidence Modeling of protein sequence and biophysical properties (such as structural, functional, and spatial information, amino acid conservation, physicochemical variation, residue mobility, and thermodynamic stability) indicates that this missense variant is not expected to disrupt SETD5 protein function with a negative predictive value of 80%. In summary, the available evidence is currently insufficient to determine the role of this variant in disease. Therefore, it has been classified as a Variant of Uncertain Significance.

NM_001080517.3(SETD5):c.4088A>G (p.Gln1363Arg)

Gene: SETD5 (SET domain containing 5; plus strand). Cytogenetic location: 3p25.3.
Variant type: single nucleotide variant.
Coding change: c.4088A>G on transcript NM_001080517.3 (MANE Select); coding-DNA position 4088, A replaced by G.
Protein change: p.Gln1363Arg; replaces glutamine 1363 with arginine.
Molecular consequence: missense variant.
Genome position (GRCh38, 1-based): chr3:9,475,850, A>G. VCF-style: chr3-9475850-A-G. GRCh37 (hg19) VCF-style: chr3-9517534-A-G.
Other names: c.3794A>G, p.Gln1265Arg (NM_001292043.2, NM_001349451.2); short protein forms Q1265R, Q1363R.
Identifiers: ClinVar variation 2909698 (VCV002909698.4), dbSNP rs1410130213, ClinGen allele CA351694189.